The following is an entry in ClinVar:

ClinVar aggregate classification (germline): Likely benign. Review status: criteria provided, multiple submitters, no conflicts (2 of 4 stars). 4 submissions from 4 submitters: Likely benign (4). Last evaluated 2026-05-12.

Conditions:
SLC3A1-related disorder. Also called: SLC3A1-related condition.
Cystinuria (CSNU). Also called: CYSTINURIA, TYPE I; CYSTINURIA, TYPE II; CYSTINURIA, TYPE III; Cystinuria, non-type I. Identifiers: Orphanet 214, MedGen C0010691, MONDO:0009067, OMIM 220100, HP:0003131.

Allele frequency attached by ClinVar (database versions not stated): 1000 Genomes Project 30x 0.00016; 1000 Genomes Project 0.00020; ExAC 0.00035; gnomAD exomes 0.00036 and 0.00077; TOPMed 0.00043; gnomAD 0.00054 and 0.00056; ESP Exome Variant Server 0.00100.
gnomAD v4.1: 1,195 of 1,614,078 alleles (0.074%); highest among the groups gnomAD compares: Non-Finnish European, 0.096%; 1 homozygote.

Submissions (4):

PreventionGenetics, part of Exact Sciences
Classification: Likely benign for SLC3A1-related condition. Last evaluated: 2026-05-12. Review status: criteria provided, single submitter. Criteria: ACMG Guidelines, 2015. Collection method: clinical testing. Allele origin: germline.
Comment: This variant is classified as likely benign based on ACMG/AMP sequence variant interpretation guidelines (Richards et al. 2015 PMID: 25741868, with internal and published modifications).

Labcorp Genetics (formerly Invitae), Labcorp
Classification: Likely benign for Cystinuria. Last evaluated: 2026-01-20. Review status: criteria provided, single submitter. Criteria: Invitae Variant Classification Sherloc (09022015). Collection method: clinical testing. Allele origin: germline.

CeGaT Center for Human Genetics Tuebingen
Classification: Likely benign. Last evaluated: 2025-10-01. Review status: criteria provided, single submitter. Criteria: CeGaT Center For Human Genetics Tuebingen Variant Classification Criteria Version 2. Collection method: clinical testing. Allele origin: germline. Affected: yes. Observed: 1 variant allele.
Comment: SLC3A1: BP4, BP7

Blueprint Genetics
Classification: Likely benign. Last evaluated: 2024-09-22. Review status: criteria provided, single submitter. Criteria: ACMG Guidelines, 2015. Collection method: clinical testing. Allele origin: germline.

NM_000341.4(SLC3A1):c.1767C>T (p.Ile589=)

Genes: PREPL (prolyl endopeptidase like; minus strand), SLC3A1 (solute carrier family 3 member 1; plus strand). Cytogenetic location: 2p21.
Variant type: single nucleotide variant.
Coding change: c.1767C>T on transcript NM_000341.4 (MANE Select); coding-DNA position 1767, C replaced by T.
Protein change: p.Ile589=; no amino-acid change (isoleucine 589 retained).
Molecular consequence: synonymous variant. On other transcripts: 3 prime UTR variant (10).
Genome position (GRCh38, 1-based): chr2:44,320,348, C>T. VCF-style: chr2-44320348-C-T. GRCh37 (hg19) VCF-style: chr2-44547487-C-T.
Other names: c.*1008G>A (NM_001042385.2, NM_001042386.2, NM_001171603.1 and 7 more transcripts).
Identifiers: ClinVar variation 336211 (VCV000336211.22), dbSNP rs142141929, ClinGen allele CA1640755.